The following is an entry in ClinVar:

ClinVar aggregate classification (germline): Uncertain significance (1 of 4 stars; one submission).

Conditions:
Hereditary insensitivity to pain with anhidrosis (CIPA). Also called: NTRK1 Congenital Insensitivity to Pain with Anhidrosis; FAMILIAL DYSAUTONOMIA, TYPE II; NEUROPATHY, CONGENITAL SENSORY, WITH ANHIDROSIS; HSAN Type IV; hereditary sensory and autonomic neuropathy type 4; INSENSITIVITY TO PAIN, CONGENITAL, WITH ANHIDROSIS. Identifiers: Orphanet 642, MedGen C0020074, MONDO:0009746, OMIM 256800.

Submission:

Labcorp Genetics (formerly Invitae), Labcorp
Classification: Uncertain significance for Hereditary insensitivity to pain with anhidrosis. Last evaluated: 2019-12-15. Review status: criteria provided, single submitter. Criteria: Invitae Variant Classification Sherloc (09022015). Collection method: clinical testing. Allele origin: germline.
Comment: This sequence change replaces proline with leucine at codon 452 of the NTRK1 protein (p.Pro452Leu). The proline residue is moderately conserved and there is a moderate physicochemical difference between proline and leucine. This variant is not present in population databases (ExAC no frequency). This variant has not been reported in the literature in individuals with NTRK1-related conditions. Algorithms developed to predict the effect of missense changes on protein structure and function (SIFT, PolyPhen-2, Align-GVGD) all suggest that this variant is likely to be tolerated, but these predictions have not been confirmed by published functional studies and their clinical significance is uncertain. In summary, the available evidence is currently insufficient to determine the role of this variant in disease. Therefore, it has been classified as a Variant of Uncertain Significance.

NM_002529.4(NTRK1):c.1373C>T (p.Pro458Leu)

Gene: NTRK1 (neurotrophic receptor tyrosine kinase 1; plus strand). Cytogenetic location: 1q23.1.
Variant type: single nucleotide variant.
Coding change: c.1373C>T on transcript NM_002529.4 (MANE Select); coding-DNA position 1373, C replaced by T.
Protein change: p.Pro458Leu; replaces proline 458 with leucine.
Molecular consequence: missense variant.
Genome position (GRCh38, 1-based): chr1:156,875,538, C>T. VCF-style: chr1-156875538-C-T. GRCh37 (hg19) VCF-style: chr1-156845330-C-T.
Other names: c.1265C>T, p.Pro422Leu (NM_001007792.1); c.1355C>T, p.Pro452Leu (NM_001012331.2); short protein forms P422L, P452L, P458L.
Identifiers: ClinVar variation 855882 (VCV000855882.10), dbSNP rs1647850345, ClinGen allele CA342937244.